The following is an entry in ClinVar:

NM_182961.4(SYNE1):c.20263C>T (p.Arg6755Ter)

Gene: SYNE1 (spectrin repeat containing nuclear envelope protein 1; minus strand). Cytogenetic location: 6q25.2.
Variant type: single nucleotide variant.
Coding change: c.20263C>T on transcript NM_182961.4 (MANE Select); coding-DNA position 20263, C replaced by T.
Protein change: p.Arg6755Ter; replaces arginine 6755 with a stop codon.
Molecular consequence: nonsense.
Genome position (GRCh38, 1-based): chr6:152,236,240, G>A on the plus strand (C>T on the coding strand, the complement: SYNE1 is on the minus strand). VCF-style: chr6-152236240-G-A. GRCh37 (hg19) VCF-style: chr6-152557375-G-A.
Other names: c.20050C>T, p.Arg6684Ter (NM_033071.5); short protein forms R6684*, R6755*.
Identifiers: ClinVar variation 242515 (VCV000242515.28), dbSNP rs780451185, ClinGen allele CA351316.

ClinVar aggregate classification (germline): Pathogenic. Review status: criteria provided, multiple submitters, no conflicts (2 of 4 stars). 4 submissions from 4 submitters: Pathogenic (4). Last evaluated 2024-10-01.

Conditions:
Emery-Dreifuss muscular dystrophy 4, autosomal dominant (EDMD4). Also called: EMERY-DREIFUSS MUSCULAR DYSTROPHY 4 WITH VARIABLE FEATURES. Identifiers: Orphanet 261, MedGen C2751807, MONDO:0013071, OMIM 612998.
Autosomal recessive ataxia, Beauce type. Also called: Spinocerebellar ataxia, autosomal recessive 8; ATAXIA, RECESSIVE, OF BEAUCE; SYNE1-Related Autosomal Recessive Cerebellar Ataxia; SYNE1 Deficiency. Identifiers: Orphanet 88644, MedGen C1853116, MONDO:0012549, OMIM 610743.

Allele frequency attached by ClinVar (database versions not stated): gnomAD exomes below 0.00001 and 0.00001; TOPMed below 0.00001; ExAC 0.00001; gnomAD 0.00001.
gnomAD v4.1: 11 of 1,613,888 alleles (0.00068%); highest among the groups gnomAD compares: Admixed American, 0.0017%; no homozygotes.

Submissions (4):

CeGaT Center for Human Genetics Tuebingen
Classification: Pathogenic. Last evaluated: 2024-10-01. Review status: criteria provided, single submitter. Criteria: CeGaT Center For Human Genetics Tuebingen Variant Classification Criteria Version 2. Collection method: clinical testing. Allele origin: germline. Affected: yes. Observed: 1 variant allele.
Comment: SYNE1: PVS1, PM2

Labcorp Genetics (formerly Invitae), Labcorp
Classification: Pathogenic for Emery-Dreifuss muscular dystrophy 4, autosomal dominant; Autosomal recessive ataxia, Beauce type. Last evaluated: 2022-03-18. Review status: criteria provided, single submitter. Criteria: Invitae Variant Classification Sherloc (09022015). Collection method: clinical testing. Allele origin: germline.
Comment: This variant is present in population databases (rs780451185, gnomAD 0.003%). This sequence change creates a premature translational stop signal (p.Arg6684*) in the SYNE1 gene. It is expected to result in an absent or disrupted protein product. Loss-of-function variants in SYNE1 are known to be pathogenic (PMID: 19542096, 24319099, 27086870). This premature translational stop signal has been observed in individual(s) with cerebellar ataxia (PMID: 25133958). For these reasons, this variant has been classified as Pathogenic. Algorithms developed to predict the effect of sequence changes on RNA splicing suggest that this variant may disrupt the consensus splice site. ClinVar contains an entry for this variant (Variation ID: 242515).

Institute of Human Genetics Munich, TUM University Hospital
Classification: Pathogenic for Autosomal recessive ataxia, Beauce type. Last evaluated: 2019-06-11. Review status: criteria provided, single submitter. Criteria: Classification criteria August 2017. Collection method: clinical testing. Allele origin: inherited. Inheritance: Autosomal recessive inheritance. Affected: yes. Observed: 1 homozygote.

Athena Diagnostics
Classification: Pathogenic. Last evaluated: 2019-05-31. Review status: criteria provided, single submitter. Criteria: Athena Diagnostics Criteria. Collection method: clinical testing. Allele origin: germline.
Comment: The variant creates a premature nonsense codon, and is therefore predicted to result in the loss of a functional protein. Found in at least one symptomatic patient, and found in general population data that is consistent with pathogenicity.

Literature cited by the submitters: PubMed 19542096 (cited by Labcorp Genetics (formerly Invitae), Labcorp); PubMed 24319099 (cited by Labcorp Genetics (formerly Invitae), Labcorp); PubMed 27086870 (cited by Labcorp Genetics (formerly Invitae), Labcorp); PubMed 25133958 (cited by Labcorp Genetics (formerly Invitae), Labcorp); PubMed 30573412 (cited by Athena Diagnostics).